The following is an entry in ClinVar:

ClinVar aggregate classification (germline): Uncertain significance. Review status: criteria provided, multiple submitters, no conflicts (2 of 4 stars). 2 submissions from 2 submitters: Uncertain significance (2). Last evaluated 2025-12-09.

Conditions:
Ataxia-telangiectasia syndrome (AT). Also called: LOUIS-BAR SYNDROME; Cerebello-oculocutaneous telangiectasia; Immunodeficiency with ataxia telangiectasia; Ataxia telangiectasia (A-T); Ataxia-telangiectasia, complementation group D; AT, COMPLEMENTATION GROUP C. Identifiers: Orphanet 100, MedGen C0004135, MONDO:0008840, OMIM 208900.
Hereditary cancer-predisposing syndrome. Also called: Neoplastic Syndromes, Hereditary; Tumor predisposition; Hereditary Cancer Syndrome; Hereditary neoplastic syndrome. Identifiers: Orphanet 140162, MedGen C0027672, MeSH D009386, MONDO:0015356.

Allele frequency attached by ClinVar (database versions not stated): gnomAD exomes below 0.00001.
gnomAD v4.1: 1 of 1,614,134 alleles (0.000062%); highest among the groups gnomAD compares: Non-Finnish European, 0.000085%; no homozygotes.

Submissions (2):

Ambry Genetics
Classification: Uncertain significance for Hereditary cancer-predisposing syndrome. Last evaluated: 2025-12-09. Review status: criteria provided, single submitter. Criteria: Ambry Variant Classification Scheme 2023. Collection method: clinical testing. Allele origin: germline.
Comment: The p.G3051V variant (also known as c.9152G>T), located in coding exon 62 of the ATM gene, results from a G to T substitution at nucleotide position 9152. The glycine at codon 3051 is replaced by valine, an amino acid with dissimilar properties. In an assay testing ATM function, this variant showed a functionally abnormal result (Lee KS et al. Cell, 2025 Sep;188:5081-5099.e27). This amino acid position is highly conserved in available vertebrate species. In addition, this alteration is predicted to be deleterious by in silico analysis. Based on the available evidence, the clinical significance of this variant remains unclear.

Labcorp Genetics (formerly Invitae), Labcorp
Classification: Uncertain significance for Ataxia-telangiectasia syndrome. Last evaluated: 2024-11-12. Review status: criteria provided, single submitter. Criteria: Invitae Variant Classification Sherloc (09022015). Collection method: clinical testing. Allele origin: germline.
Comment: This sequence change replaces glycine, which is neutral and non-polar, with valine, which is neutral and non-polar, at codon 3051 of the ATM protein (p.Gly3051Val). This variant is not present in population databases (gnomAD no frequency). This variant has not been reported in the literature in individuals affected with ATM-related conditions. ClinVar contains an entry for this variant (Variation ID: 1519463). Invitae Evidence Modeling of protein sequence and biophysical properties (such as structural, functional, and spatial information, amino acid conservation, physicochemical variation, residue mobility, and thermodynamic stability) indicates that this missense variant is expected to disrupt ATM protein function with a positive predictive value of 95%. RNA analysis provides insufficient evidence to determine the effect of this variant on ATM splicing (internal data). In summary, the available evidence is currently insufficient to determine the role of this variant in disease. Therefore, it has been classified as a Variant of Uncertain Significance.

Literature cited by the submitters: PubMed 40580951 (cited by Ambry Genetics).

NM_000051.4(ATM):c.9152G>T (p.Gly3051Val)

Genes: ATM (ATM serine/threonine kinase; plus strand), C11orf65 (chromosome 11 open reading frame 65; minus strand). Cytogenetic location: 11q22.3.
Variant type: single nucleotide variant.
Coding change: c.9152G>T on transcript NM_000051.4 (MANE Select); coding-DNA position 9152, G replaced by T.
Protein change: p.Gly3051Val; replaces glycine 3051 with valine.
Molecular consequence: missense variant. On other transcripts: intron variant (2).
Genome position (GRCh38, 1-based): chr11:108,365,489, G>T. VCF-style: chr11-108365489-G-T. GRCh37 (hg19) VCF-style: chr11-108236216-G-T.
Other names: c.9152G>T, p.Gly3051Val (NM_001351834.2); c.640+20431C>A (NM_001330368.2); c.694+20431C>A (NM_001351110.2); short protein forms G3051V.
Identifiers: ClinVar variation 1519463 (VCV001519463.8), dbSNP rs1555152073, ClinGen allele CA382532152.